The following is an entry in ClinVar:

ClinVar aggregate classification (germline): Uncertain significance. Review status: criteria provided, multiple submitters, no conflicts (2 of 4 stars). 2 submissions from 2 submitters: Uncertain significance (2). Last evaluated 2024-07-15.

Allele frequency attached by ClinVar (database versions not stated): gnomAD exomes below 0.00001; TOPMed below 0.00001; ExAC 0.00001; gnomAD 0.00001.
gnomAD v4.1: 7 of 1,613,856 alleles (0.00043%); highest among the groups gnomAD compares: Admixed American, 0.0017%; no homozygotes.

Submissions (2):

Labcorp Genetics (formerly Invitae), Labcorp
Classification: Uncertain significance. Last evaluated: 2024-07-15. Review status: criteria provided, single submitter. Criteria: Invitae Variant Classification Sherloc (09022015). Collection method: clinical testing. Allele origin: germline.
Comment: This sequence change replaces tyrosine, which is neutral and polar, with histidine, which is basic and polar, at codon 490 of the GDF5 protein (p.Tyr490His). This variant is present in population databases (rs746204242, gnomAD 0.0009%). This variant has not been reported in the literature in individuals affected with GDF5-related conditions. ClinVar contains an entry for this variant (Variation ID: 288913). Advanced modeling of protein sequence and biophysical properties (such as structural, functional, and spatial information, amino acid conservation, physicochemical variation, residue mobility, and thermodynamic stability) performed at Invitae indicates that this missense variant is expected to disrupt GDF5 protein function with a positive predictive value of 80%. In summary, the available evidence is currently insufficient to determine the role of this variant in disease. Therefore, it has been classified as a Variant of Uncertain Significance.

Eurofins Ntd Llc (ga)
Classification: Uncertain significance. Last evaluated: 2016-08-18. Review status: criteria provided, single submitter. Criteria: EGL Classification Definitions 2015. Collection method: clinical testing. Allele origin: germline. Observed: 1 variant allele, 1 heterozygote.

NM_000557.5(GDF5):c.1468T>C (p.Tyr490His)

Genes: GDF5 (growth differentiation factor 5; minus strand), GDF5-AS1 (GDF5 antisense RNA 1; plus strand). Cytogenetic location: 20q11.22.
Variant type: single nucleotide variant.
Coding change: c.1468T>C on transcript NM_000557.5 (MANE Select); coding-DNA position 1468, T replaced by C.
Protein change: p.Tyr490His; replaces tyrosine 490 with histidine.
Molecular consequence: missense variant. On other transcripts: non-coding transcript variant (1).
Genome position (GRCh38, 1-based): chr20:35,433,947, A>G on the plus strand (T>C on the coding strand, the complement: GDF5 is on the minus strand). VCF-style: chr20-35433947-A-G. GRCh37 (hg19) VCF-style: chr20-34021745-A-G.
Other names: c.1468T>C, p.Tyr490His (NM_001319138.2); short protein forms Y490H.
Identifiers: ClinVar variation 288913 (VCV000288913.7), dbSNP rs746204242, ClinGen allele CA9832114.